The following is an entry in ClinVar:

ClinVar aggregate classification (germline): Uncertain significance (1 of 4 stars; one submission).

Conditions:
Familial thoracic aortic aneurysm and aortic dissection (TAAD). Also called: Thoracic aortic aneurysms and dissections. Identifiers: Orphanet 91387, MedGen C4707243, MONDO:0019625.

Allele frequency attached by ClinVar (database versions not stated): gnomAD exomes below 0.00001.
gnomAD v4.1: 1 of 1,614,190 alleles (0.000062%); highest among the groups gnomAD compares: African/African-American, 0.0013%; no homozygotes.

Submission:

Color Diagnostics, LLC DBA Color Health
Classification: Uncertain significance for Familial thoracic aortic aneurysm and aortic dissection. Last evaluated: 2020-09-30. Review status: criteria provided, single submitter. Criteria: ACMG Guidelines, 2015. Collection method: clinical testing. Allele origin: germline.
Comment: This missense variant replaces aspartic acid with asparagine at codon 1438 of the MYH11 protein. Computational prediction suggests that this variant may have deleterious impact on protein structure and function (internally defined REVEL score threshold >= 0.7, PMID: 27666373). To our knowledge, functional studies have not been reported for this variant. This variant has not been reported in individuals affected with cardiovascular disorders in the literature. This variant has not been identified in the general population by the Genome Aggregation Database (gnomAD). The available evidence is insufficient to determine the role of this variant in disease conclusively. Therefore, this variant is classified as a Variant of Uncertain Significance.

NM_002474.3(MYH11):c.4291G>A (p.Asp1431Asn)

Genes: NDE1 (nudE neurodevelopment protein 1; plus strand), MYH11 (myosin heavy chain 11; minus strand). Cytogenetic location: 16p13.11.
Variant type: single nucleotide variant.
Coding change: c.4291G>A on transcript NM_002474.3 (MANE Select); coding-DNA position 4291, G replaced by A.
Protein change: p.Asp1431Asn; replaces aspartic acid 1431 with asparagine.
Molecular consequence: missense variant.
Genome position (GRCh38, 1-based): chr16:15,724,235, C>T on the plus strand (G>A on the coding strand, the complement: MYH11 is on the minus strand). VCF-style: chr16-15724235-C-T. GRCh37 (hg19) VCF-style: chr16-15818092-C-T.
Other names: c.4312G>A, p.Asp1438Asn (NM_001040113.2, NM_001040114.2); c.4291G>A, p.Asp1431Asn (NM_022844.3); c.992C>T, p.Ser331Leu (NM_001143979.2, NM_017668.3); short protein forms D1438N, S331L, D1431N.
Identifiers: ClinVar variation 920984 (VCV000920984.3), dbSNP rs2040631048, ClinGen allele CA394857113.